The following is an entry in ClinVar:

NM_004387.4(NKX2-5):c.556_560del (p.Phe186fs)

Gene: NKX2-5 (NK2 homeobox 5; minus strand). Cytogenetic location: 5q35.1.
Variant type: Deletion.
Coding change: c.556_560del on transcript NM_004387.4 (MANE Select); coding-DNA positions 556 to 560, 5 bases deleted (TTCCA; older notation c.556_560delTTCCA).
Protein change: p.Phe186fs; shifts the reading frame from phenylalanine 186.
Molecular consequence: frameshift variant. On other transcripts: 3 prime UTR variant (2).
Genome position (GRCh38, 1-based): chr5:173,232,984-173,232,988, TGGAA deleted on the plus strand (TTCCA on the coding strand, the reverse complement: NKX2-5 is on the minus strand). VCF-style (leftmost placement, unchanged base first): chr5-173232983-CTGGAA-C. GRCh37 (hg19) VCF-style: chr5-172659986-CTGGAA-C.
Other names: c.*509_*513del (NM_001166175.2); c.*355_*359del (NM_001166176.2); short protein forms F186fs.
Identifiers: ClinVar variation 817305 (VCV000817305.1), dbSNP rs1581108437, ClinGen allele CA915942751.
Genomic context (GRCh38, chr5:173,232,983, plus strand): 5'-CAGCCCCACCAGCTCCAGAGTCTGGTCCTGCCGCTGCCGCTTGCACTTGTAGCGCCGGTT[CTGGAA>C]CCAGATCTTGACCTGCGTGGACGTGAGTTTCAGCACGCTGGCCAGCTGGTCGCGTTCGGG-3'

ClinVar aggregate classification (germline): Likely pathogenic (1 of 4 stars; one submission).

Submission:

GeneDx
Classification: Likely pathogenic. Last evaluated: 2018-10-30. Review status: criteria provided, single submitter. Criteria: GeneDx Variant Classification (06012015). Collection method: clinical testing. Allele origin: germline. Affected: yes.
Comment: Although the c.556_560delTTCCA likely pathogenic variant in the NKX2-5 gene has not been reported to our knowledge, this variant causes a shift in reading frame starting at codon phenylalanine 186, changing it to a glutamic acid, and creating a premature stop codon at position 64 of the new reading frame, denoted p.Phe186GlufsX64. This likely pathogenic variant is expected to result in an abnormal, truncated protein product as the last 139 amino acids are replaced with 63 incorrect amino acids. Other frameshift variants in the NKX2-5 gene have been reported in Human Gene Mutation Database in association with NKX2-5-related disorders (Stenson et al., 2014), indicating that loss of function is a mechanism of disease for this gene. Furthermore, the c.556_560delTTCCA variant has not been observed in large population cohorts (Lek et al., 2016). In summary, c.556_560delTTCCA in the NKX2-5 gene is interpreted as a likely pathogenic variant.